The following is an entry in ClinVar:

ClinVar aggregate classification (germline): Uncertain significance (1 of 4 stars; one submission).

gnomAD v4.1: 2 of 1,613,978 alleles (0.00012%); highest among the groups gnomAD compares: Non-Finnish European, 0.00017%; no homozygotes.

Submission:

Labcorp Genetics (formerly Invitae), Labcorp
Classification: Uncertain significance. Last evaluated: 2025-10-11. Review status: criteria provided, single submitter. Criteria: Invitae Variant Classification Sherloc (09022015). Collection method: clinical testing. Allele origin: germline.
Comment: This sequence change replaces isoleucine, which is neutral and non-polar, with valine, which is neutral and non-polar, at codon 415 of the DDR2 protein (p.Ile415Val). This variant is not present in population databases (gnomAD no frequency). This variant has not been reported in the literature in individuals affected with DDR2-related conditions. An algorithm developed to predict the effect of missense changes on protein structure and function outputs the following: PolyPhen-2: "Benign". The valine amino acid residue is found in multiple mammalian species, which suggests that this missense change does not adversely affect protein function. In summary, the available evidence is currently insufficient to determine the role of this variant in disease. Therefore, it has been classified as a Variant of Uncertain Significance.

NM_006182.4(DDR2):c.1243A>G (p.Ile415Val)

Gene: DDR2 (discoidin domain receptor tyrosine kinase 2; plus strand). Cytogenetic location: 1q23.3.
Variant type: single nucleotide variant.
Coding change: c.1243A>G on transcript NM_006182.4 (MANE Select); coding-DNA position 1243, A replaced by G.
Protein change: p.Ile415Val; replaces isoleucine 415 with valine.
Molecular consequence: missense variant.
Genome position (GRCh38, 1-based): chr1:162,767,309, A>G. VCF-style: chr1-162767309-A-G. GRCh37 (hg19) VCF-style: chr1-162737099-A-G.
Other names: c.1243A>G, p.Ile415Val (NM_001014796.3, NM_001354982.2, NM_001354983.2); short protein forms I415V.
Identifiers: ClinVar variation 4769356 (VCV004769356.1).
Genomic context (GRCh38, chr1:162,767,309, plus strand): 5'-GACAGCAACACTCGGATCCTGATTGGCTGCTTGGTGGCCATCATCTTTATCCTCCTGGCC[A>G]TCATTGTCATCATCCTCTGGAGGCAGTTCTGGCAGAAAATGCTGGAGAAGGTGAGGAGGT-3'
Protein context (NP_006173.2, residues 405-425): LVAIIFILLA[Ile415Val]IVIILWRQFW